The following is an entry in ClinVar:

ClinVar aggregate classification (germline): Conflicting classifications of pathogenicity. Review status: criteria provided, conflicting classifications (1 of 4 stars). 7 submissions from 7 submitters: Uncertain significance (5); Likely benign (2). Last evaluated 2025-12-22.

Conditions:
Colorectal cancer. Also called: Colorectal cancer, somatic; Malignant Colorectal Neoplasm. Identifiers: MedGen C0346629, MONDO:0005575, OMIM 114500.
Familial spontaneous pneumothorax (PSP). Identifiers: Orphanet 2903, MedGen C1868193, MONDO:0008259, OMIM 173600.
Birt-Hogg-Dube syndrome 1 (BHD1). Also called: FIBROFOLLICULOMAS WITH TRICHODISCOMAS AND ACROCHORDONS. Identifiers: Orphanet 122, MedGen CN375946, MONDO:0800445, OMIM 135150.
Nonpapillary renal cell carcinoma. Identifiers: Orphanet 422526, MedGen CN074294, MONDO:0007763, OMIM 144700.
FLCN-related disorder. Also called: FLCN-related condition.
Hereditary cancer-predisposing syndrome. Also called: Neoplastic Syndromes, Hereditary; Hereditary Cancer Syndrome; Tumor predisposition; Hereditary neoplastic syndrome. Identifiers: Orphanet 140162, MedGen C0027672, MeSH D009386, MONDO:0015356.
Birt-Hogg-Dube syndrome. Also called: Birt Hogg Dubé syndrome. Identifiers: Orphanet 122, MedGen C0346010, MONDO:0800444.

Allele frequency attached by ClinVar (database versions not stated): gnomAD 0.00003 and 0.00004; TOPMed 0.00003; ExAC 0.00004; gnomAD exomes 0.00004.
gnomAD v4.1: 23 of 1,614,126 alleles (0.0014%); highest among the groups gnomAD compares: Admixed American, 0.0033%; no homozygotes.

Submissions (7):

Labcorp Genetics (formerly Invitae), Labcorp
Classification: Uncertain significance for Birt-Hogg-Dube syndrome. Last evaluated: 2025-12-22. Review status: criteria provided, single submitter. Criteria: Invitae Variant Classification Sherloc (09022015). Collection method: clinical testing. Allele origin: germline.
Comment: This sequence change replaces glycine, which is neutral and non-polar, with arginine, which is basic and polar, at codon 319 of the FLCN protein (p.Gly319Arg). This variant is present in population databases (rs753491072, gnomAD 0.008%). This variant has not been reported in the literature in individuals affected with FLCN-related conditions. ClinVar contains an entry for this variant (Variation ID: 485587). An algorithm developed to predict the effect of missense changes on protein structure and function outputs the following: PolyPhen-2: "Benign". The arginine amino acid residue is found in multiple mammalian species, which suggests that this missense change does not adversely affect protein function. In summary, the available evidence is currently insufficient to determine the role of this variant in disease. Therefore, it has been classified as a Variant of Uncertain Significance.

PreventionGenetics, part of Exact Sciences
Classification: Uncertain significance for FLCN-related condition. Last evaluated: 2025-11-28. Review status: criteria provided, single submitter. Criteria: ACMG Guidelines, 2015. Collection method: clinical testing. Allele origin: germline.
Comment: The FLCN c.955G>C variant is predicted to result in the amino acid substitution p.Gly319Arg. To our knowledge, this variant has not been reported in the literature. This variant is reported in 0.0070% of alleles in individuals of European (Non-Finnish) descent in gnomAD and has conflicting interpretations of pathogenicity in the ClinVar database ranging from uncertain to likely benign (Variation ID: 485587). At this time, the clinical significance of this variant is uncertain due to the absence of conclusive functional and genetic evidence.

GeneDx
Classification: Uncertain significance. Last evaluated: 2024-12-30. Review status: criteria provided, single submitter. Criteria: GeneDx Variant Classification Process June 2021. Collection method: clinical testing. Allele origin: germline.
Comment: In silico analysis indicates that this missense variant does not alter protein structure/function; Has not been previously published as pathogenic or benign to our knowledge

Myriad Genetics, Inc.
Classification: Likely benign for Birt-Hogg-Dube syndrome 1. Last evaluated: 2024-10-23. Review status: criteria provided, single submitter. Criteria: Myriad Autosomal Dominant, Autosomal Recessive and X-Linked Classification Criteria (2023). Collection method: clinical testing. Allele origin: unknown.
Comment: This variant is considered likely benign. This variant has been observed at a population frequency that is significantly greater than expected given the associated disease prevalence and penetrance.

Fulgent Genetics
Classification: Uncertain significance for Colorectal cancer; Birt-Hogg-Dube syndrome 1; Nonpapillary renal cell carcinoma; Familial spontaneous pneumothorax. Last evaluated: 2024-04-16. Review status: criteria provided, single submitter. Criteria: ACMG Guidelines, 2015. Collection method: clinical testing. Allele origin: germline.

Quest Diagnostics Nichols Institute San Juan Capistrano
Classification: Uncertain significance. Last evaluated: 2023-05-30. Review status: criteria provided, single submitter. Criteria: Quest Diagnostics criteria. Collection method: clinical testing. Allele origin: unknown.
Comment: To the best of our knowledge, this variant has not been reported in the published literature. The frequency of this variant in the general population, 0.00007 (9/129196 chromosomes in European (Non-Finnish) subpopulation (Genome Aggregation Database)), is higher than would generally be expected for pathogenic variants in this gene. Analysis of this variant using bioinformatics tools for the prediction of the effect of amino acid changes on protein structure and function yielded conflicting predictions that this variant is benign or damaging. Based on the available information, we are unable to determine the clinical significance of this variant.

Ambry Genetics
Classification: Likely benign for Hereditary cancer-predisposing syndrome. Last evaluated: 2022-03-28. Review status: criteria provided, single submitter. Criteria: Ambry Variant Classification Scheme 2023. Collection method: clinical testing. Allele origin: germline.

NM_144997.7(FLCN):c.955G>C (p.Gly319Arg)

Gene: FLCN (folliculin; minus strand). Cytogenetic location: 17p11.2.
Variant type: single nucleotide variant.
Coding change: c.955G>C on transcript NM_144997.7 (MANE Select); coding-DNA position 955, G replaced by C.
Protein change: p.Gly319Arg; replaces glycine 319 with arginine.
Molecular consequence: missense variant.
Genome position (GRCh38, 1-based): chr17:17,219,126, C>G on the plus strand (G>C on the coding strand, the complement: FLCN is on the minus strand). VCF-style: chr17-17219126-C-G. GRCh37 (hg19) VCF-style: chr17-17122440-C-G.
Other names: c.1009G>C, p.Gly337Arg (NM_001353229.2); c.955G>C, p.Gly319Arg (NM_001353230.2, NM_001353231.2); c.955G>C (NM_144997.6, LRG_325t1); short protein forms G319R, G337R.
Identifiers: ClinVar variation 485587 (VCV000485587.22), dbSNP rs753491072, ClinGen allele CA8416188.